The following is an entry in ClinVar:

ClinVar aggregate classification (germline): Uncertain significance (1 of 4 stars; one submission).

Allele frequency attached by ClinVar (database versions not stated): gnomAD exomes 0.00001.
gnomAD v4.1: 16 of 1,614,190 alleles (0.00099%); highest among the groups gnomAD compares: Non-Finnish European, 0.001%; no homozygotes.

Submission:

Labcorp Genetics (formerly Invitae), Labcorp
Classification: Uncertain significance. Last evaluated: 2024-11-18. Review status: criteria provided, single submitter. Criteria: Invitae Variant Classification Sherloc (09022015). Collection method: clinical testing. Allele origin: germline.
Comment: This sequence change replaces phenylalanine, which is neutral and non-polar, with tyrosine, which is neutral and polar, at codon 896 of the SCN3A protein (p.Phe896Tyr). This variant is present in population databases (no rsID available, gnomAD 0.0009%). This variant has not been reported in the literature in individuals affected with SCN3A-related conditions. ClinVar contains an entry for this variant (Variation ID: 2772778). Invitae Evidence Modeling of protein sequence and biophysical properties (such as structural, functional, and spatial information, amino acid conservation, physicochemical variation, residue mobility, and thermodynamic stability) indicates that this missense variant is expected to disrupt SCN3A protein function with a positive predictive value of 95%. In summary, the available evidence is currently insufficient to determine the role of this variant in disease. Therefore, it has been classified as a Variant of Uncertain Significance.

NM_006922.4(SCN3A):c.2687T>A (p.Phe896Tyr)

Gene: SCN3A (sodium voltage-gated channel alpha subunit 3; minus strand). Cytogenetic location: 2q24.3.
Variant type: single nucleotide variant.
Coding change: c.2687T>A on transcript NM_006922.4 (MANE Select); coding-DNA position 2687, T replaced by A.
Protein change: p.Phe896Tyr; replaces phenylalanine 896 with tyrosine.
Molecular consequence: missense variant.
Genome position (GRCh38, 1-based): chr2:165,130,175, A>T on the plus strand (T>A on the coding strand, the complement: SCN3A is on the minus strand). VCF-style: chr2-165130175-A-T. GRCh37 (hg19) VCF-style: chr2-165986685-A-T.
Other names: c.2540T>A, p.Phe847Tyr (NM_001081676.2, NM_001081677.2); short protein forms F896Y, F847Y.
Identifiers: ClinVar variation 2772778 (VCV002772778.3), dbSNP rs1202695035, ClinGen allele CA349042761.
Genomic context (GRCh38, chr2:165,130,175, plus strand): 5'-TTGATCTTGCAGACACATTCTTTGTAGCTCTTACCAAAGAGCTGCATGCCGACCACAGCA[A>T]AAATGAAGACGATGATGGCCAACACCAAGGTGAGGTTTCCTAGAGCCCCCACAGAATTGC-3'
Protein context (NP_008853.3, residues 886-906): TLVLAIIVFI[Phe896Tyr]AVVGMQLFGK